The following is an entry in ClinVar:

ClinVar aggregate classification (germline): Uncertain significance. Review status: criteria provided, multiple submitters, no conflicts (2 of 4 stars). 2 submissions from 2 submitters: Uncertain significance (2). Last evaluated 2025-12-24.

Conditions:
Agammaglobulinemia 8, autosomal dominant (AGM8A). Also called: AGAMMAGLOBULINEMIA, AUTOSOMAL DOMINANT, DUE TO TCF3 DEFECT; AGAMMAGLOBULINEMIA 8A, AUTOSOMAL DOMINANT. Identifiers: MedGen C4310786, MONDO:0014840, OMIM 616941.

Allele frequency attached by ClinVar (database versions not stated): gnomAD 0.00001; gnomAD exomes 0.00001; TOPMed 0.00001; ExAC 0.00001.

Submissions (2):

Labcorp Genetics (formerly Invitae), Labcorp
Classification: Uncertain significance. Last evaluated: 2025-12-24. Review status: criteria provided, single submitter. Criteria: Invitae Variant Classification Sherloc (09022015). Collection method: clinical testing. Allele origin: germline.
Comment: This sequence change replaces proline, which is neutral and non-polar, with arginine, which is basic and polar, at codon 530 of the TCF3 protein (p.Pro530Arg). This variant is present in population databases (rs745797783, gnomAD 0.003%). This variant has not been reported in the literature in individuals affected with TCF3-related conditions. ClinVar contains an entry for this variant (Variation ID: 1404537). Experimental studies and prediction algorithms are not available or were not evaluated, and the functional significance of this variant is currently unknown. In summary, the available evidence is currently insufficient to determine the role of this variant in disease. Therefore, it has been classified as a Variant of Uncertain Significance.

Institute of Human Genetics, University of Leipzig Medical Center
Classification: Uncertain significance for Agammaglobulinemia 8, autosomal dominant. Last evaluated: 2023-05-09. Review status: criteria provided, single submitter. Criteria: ACMG Guidelines, 2015. Collection method: clinical testing. Allele origin: unknown. Inheritance: Autosomal dominant inheritance. Affected: yes.
Comment: Criteria applied: PM2_SUP,PP3

NM_003200.5(TCF3):c.1589C>G (p.Pro530Arg)

Gene: TCF3 (transcription factor 3; minus strand). Cytogenetic location: 19p13.3.
Variant type: single nucleotide variant.
Coding change: c.1589C>G on transcript NM_003200.5 (MANE Select); coding-DNA position 1589, C replaced by G.
Protein change: p.Pro530Arg; replaces proline 530 with arginine.
Molecular consequence: missense variant. On other transcripts: intron variant (2).
Genome position (GRCh38, 1-based): chr19:1,615,518, G>C on the plus strand (C>G on the coding strand, the complement: TCF3 is on the minus strand). VCF-style: chr19-1615518-G-C. GRCh37 (hg19) VCF-style: chr19-1615517-G-C.
Other names: c.1586C>G, p.Pro529Arg (NM_001351778.2); c.1586+168C>G (NM_001136139.4, NM_001351779.2); short protein forms P529R, P530R.
Identifiers: ClinVar variation 1404537 (VCV001404537.7), dbSNP rs745797783, ClinGen allele CA9049693.